The following is an entry in ClinVar:

ClinVar aggregate classification (germline): Uncertain significance (1 of 4 stars; one submission).

Conditions:
Hereditary cancer-predisposing syndrome. Also called: Neoplastic Syndromes, Hereditary; Tumor predisposition; Hereditary Cancer Syndrome; Hereditary neoplastic syndrome. Identifiers: Orphanet 140162, MedGen C0027672, MeSH D009386, MONDO:0015356.

Submission:

Ambry Genetics
Classification: Uncertain significance for Hereditary cancer-predisposing syndrome. Last evaluated: 2021-03-09. Review status: criteria provided, single submitter. Criteria: Ambry Variant Classification Scheme 2023. Collection method: clinical testing. Allele origin: germline.
Comment: The p.S990R variant (also known as c.2968A>C), located in coding exon 19 of the BRIP1 gene, results from an A to C substitution at nucleotide position 2968. The serine at codon 990 is replaced by arginine, an amino acid with dissimilar properties. This amino acid position is highly conserved in available vertebrate species. In addition, this alteration is predicted to be tolerated by in silico analysis. Since supporting evidence is limited at this time, the clinical significance of this alteration remains unclear.

NM_032043.3(BRIP1):c.2968A>C (p.Ser990Arg)

Gene: BRIP1 (BRCA1 interacting DNA helicase 1; minus strand). Cytogenetic location: 17q23.2.
Variant type: single nucleotide variant.
Coding change: c.2968A>C on transcript NM_032043.3 (MANE Select); coding-DNA position 2968, A replaced by C.
Protein change: p.Ser990Arg; replaces serine 990 with arginine.
Molecular consequence: missense variant.
Genome position (GRCh38, 1-based): chr17:61,684,078, T>G on the plus strand (A>C on the coding strand, the complement: BRIP1 is on the minus strand). VCF-style: chr17-61684078-T-G. GRCh37 (hg19) VCF-style: chr17-59761439-T-G.
Other names: short protein forms S990R.
Identifiers: ClinVar variation 1798240 (VCV001798240.2), dbSNP rs2144092798, ClinGen allele CA400480645.